The following is an entry in ClinVar:

NM_144666.3(DNHD1):c.13867dup (p.Gln4623fs)

Gene: DNHD1 (dynein heavy chain domain 1; plus strand). Cytogenetic location: 11p15.4.
Variant type: Duplication.
Coding change: c.13867dup on transcript NM_144666.3 (MANE Select); coding-DNA position 13867, one base duplicated (C; older notation c.13867dupC).
Protein change: p.Gln4623fs; shifts the reading frame from glutamine 4623.
Molecular consequence: frameshift variant.
Genome position (GRCh38, 1-based): chr11:6,571,379, C duplicated; the last of 2 consecutive C bases (chr11:6,571,378-6,571,379); duplicating either gives the same sequence. VCF-style (leftmost placement, unchanged base first): chr11-6571377-T-TC. GRCh37 (hg19) VCF-style: chr11-6592607-T-TC.
Other names: short protein forms Q4623fs.
Identifiers: ClinVar variation 3362192 (VCV003362192.1).

ClinVar aggregate classification (germline): Uncertain significance (1 of 4 stars; one submission).

Submission:

GeneDx
Classification: Uncertain significance. Last evaluated: 2023-06-04. Review status: criteria provided, single submitter. Criteria: GeneDx Variant Classification Process June 2021. Collection method: clinical testing. Allele origin: germline. Affected: yes.
Comment: Not observed at significant frequency in large population cohorts (gnomAD); Frameshift variant predicted to result in protein truncation, as the last 131 amino acids are replaced with 2 different amino acids; Has not been previously published as pathogenic or benign to our knowledge; Variants in candidate genes are classified as variants of uncertain significance in accordance with ACMG guidelines (Richards et al., 2015)